The following is an entry in ClinVar:

ClinVar aggregate classification (germline): Uncertain significance. Review status: criteria provided, multiple submitters, no conflicts (2 of 4 stars). 2 submissions from 2 submitters: Uncertain significance (2). Last evaluated 2026-01-13.

Allele frequency attached by ClinVar (database versions not stated): gnomAD 0.00006; gnomAD exomes 0.00002 and 0.00007; ESP Exome Variant Server 0.00008; ExAC 0.00002; TOPMed 0.00006.
gnomAD v4.1: 107 of 1,612,826 alleles (0.0066%); highest among the groups gnomAD compares: Non-Finnish European, 0.0089%; no homozygotes.

Submissions (2):

Labcorp Genetics (formerly Invitae), Labcorp
Classification: Uncertain significance. Last evaluated: 2026-01-13. Review status: criteria provided, single submitter. Criteria: Invitae Variant Classification Sherloc (09022015). Collection method: clinical testing. Allele origin: germline.
Comment: This sequence change replaces glycine, which is neutral and non-polar, with valine, which is neutral and non-polar, at codon 254 of the CHRM2 protein (p.Gly254Val). This variant is present in population databases (rs368473785, gnomAD 0.007%). This variant has not been reported in the literature in individuals affected with CHRM2-related conditions. ClinVar contains an entry for this variant (Variation ID: 652209). An algorithm developed to predict the effect of missense changes on protein structure and function (PolyPhen-2) suggests that this variant is likely to be tolerated. In summary, the available evidence is currently insufficient to determine the role of this variant in disease. Therefore, it has been classified as a Variant of Uncertain Significance.

Ambry Genetics
Classification: Uncertain significance. Last evaluated: 2024-02-21. Review status: criteria provided, single submitter. Criteria: Ambry Variant Classification Scheme 2023. Collection method: clinical testing. Allele origin: germline.

NM_001006630.2(CHRM2):c.761G>T (p.Gly254Val)

Genes: CHRM2 (cholinergic receptor muscarinic 2; plus strand), LOC349160 (uncharacterized LOC349160; minus strand). Cytogenetic location: 7q33.
Variant type: single nucleotide variant.
Coding change: c.761G>T on transcript NM_001006630.2 (MANE Select); coding-DNA position 761, G replaced by T.
Protein change: p.Gly254Val; replaces glycine 254 with valine.
Molecular consequence: missense variant.
Genome position (GRCh38, 1-based): chr7:137,015,626, G>T. VCF-style: chr7-137015626-G-T. GRCh37 (hg19) VCF-style: chr7-136700373-G-T.
Other names: c.761G>T, p.Gly254Val (NM_000739.3, NM_001006626.3, NM_001006627.3 and 6 more transcripts); short protein forms G254V.
Identifiers: ClinVar variation 652209 (VCV000652209.7), dbSNP rs368473785, ClinGen allele CA4500573.
Genomic context (GRCh38, chr7:137,015,626, plus strand): 5'-GTCTGGTACAAGGAAGGATAGTGAAGCCAAACAATAACAACATGCCCAGCAGTGACGATG[G>T]CCTGGAGCACAACAAAATCCAGAATGGCAAAGCCCCCAGGGATCCTGTGACTGAAAACTG-3'
Protein context (NP_001006631.1, residues 244-264): NNNNMPSSDD[Gly254Val]LEHNKIQNGK